The following is an entry in ClinVar:

NM_001289808.2(CRYAB):c.38C>G (p.Pro13Arg)

Gene: CRYAB (crystallin alpha B; minus strand). Cytogenetic location: 11q23.1.
Variant type: single nucleotide variant.
Coding change: c.38C>G on transcript NM_001289808.2 (MANE Select); coding-DNA position 38, C replaced by G.
Protein change: p.Pro13Arg; replaces proline 13 with arginine.
Molecular consequence: missense variant.
Genome position (GRCh38, 1-based): chr11:111,911,687, G>C on the plus strand (C>G on the coding strand, the complement: CRYAB is on the minus strand). VCF-style: chr11-111911687-G-C. GRCh37 (hg19) VCF-style: chr11-111782411-G-C.
Other names: c.38C>G, p.Pro13Arg (NM_001289807.1, NM_001368245.1, NM_001885.3); short protein forms P13R.
Identifiers: ClinVar variation 3650376 (VCV003650376.2).
Genomic context (GRCh38, chr11:111,911,687, plus strand): 5'-AACAGGTGCTCTCCGAAGAACTGGTCAAAGAGGCGGCTGGGGGAGTGGAAAGGAAAGAAG[G>C]GGCGGCGGATCCAGGGGTGGTGGATGGCGATGTCCATGGTGGCTAGGTGAGTGTGAGGGG-3'
Protein context (NP_001276737.1, residues 3-23): IAIHHPWIRR[Pro13Arg]FFPFHSPSRL

ClinVar aggregate classification (germline): Uncertain significance (1 of 4 stars; one submission).

Conditions:
Dilated cardiomyopathy 1II (CMD1II). Identifiers: Orphanet 154, MedGen C3554649, MONDO:0014073, OMIM 615184.

Submission:

Labcorp Genetics (formerly Invitae), Labcorp
Classification: Uncertain significance for Dilated cardiomyopathy 1II. Last evaluated: 2024-04-18. Review status: criteria provided, single submitter. Criteria: Invitae Variant Classification Sherloc (09022015). Collection method: clinical testing. Allele origin: germline.
Comment: This sequence change replaces proline, which is neutral and non-polar, with arginine, which is basic and polar, at codon 13 of the CRYAB protein (p.Pro13Arg). This variant is not present in population databases (gnomAD no frequency). This variant has not been reported in the literature in individuals affected with CRYAB-related conditions. An algorithm developed to predict the effect of missense changes on protein structure and function (PolyPhen-2) suggests that this variant is likely to be disruptive. In summary, the available evidence is currently insufficient to determine the role of this variant in disease. Therefore, it has been classified as a Variant of Uncertain Significance.